The following is an entry in ClinVar:

ClinVar aggregate classification (germline): Uncertain significance (1 of 4 stars; one submission).

gnomAD v4.1: 154 of 1,614,106 alleles (0.0095%); highest among the groups gnomAD compares: African/African-American, 0.12%; no homozygotes.

Submission:

GeneDx
Classification: Uncertain significance. Last evaluated: 2026-05-20. Review status: criteria provided, single submitter. Criteria: GeneDx Variant Classification Process June 2021. Collection method: clinical testing. Allele origin: germline.
Comment: In silico analysis indicates that this missense variant does not alter protein structure/function; Has not been previously published as pathogenic or benign to our knowledge

NM_006828.4(ASCC3):c.6249A>T (p.Gln2083His)

Gene: ASCC3 (activating signal cointegrator 1 complex subunit 3; minus strand). Cytogenetic location: 6q16.3.
Variant type: single nucleotide variant.
Coding change: c.6249A>T on transcript NM_006828.4 (MANE Select); coding-DNA position 6249, A replaced by T.
Protein change: p.Gln2083His; replaces glutamine 2083 with histidine.
Molecular consequence: missense variant.
Genome position (GRCh38, 1-based): chr6:100,512,745, T>A on the plus strand (A>T on the coding strand, the complement: ASCC3 is on the minus strand). VCF-style: chr6-100512745-T-A. GRCh37 (hg19) VCF-style: chr6-100960621-T-A.
Other names: short protein forms Q2083H.
Identifiers: ClinVar variation 4088184 (VCV004088184.2).
Genomic context (GRCh38, chr6:100,512,745, plus strand): 5'-GAGAATGGAAACCAAACACTATACCTTGTGGAACCCAAAGTGGACTCTCTGCAAGCTCAC[T>A]TGAAGCACATACTCTTGGTCAGCATGCAATTTGATCCATTTGTTGTCATCTCGTTTGTCT-3'
Protein context (NP_006819.2, residues 2073-2093): KLHADQEYVL[Gln2083His]VSLQRVHFGF